The following is an entry in ClinVar:

NM_016180.5(SLC45A2):c.1319C>T (p.Thr440Ile)

Gene: SLC45A2 (solute carrier family 45 member 2; minus strand). Cytogenetic location: 5p13.2.
Variant type: single nucleotide variant.
Coding change: c.1319C>T on transcript NM_016180.5 (MANE Select); coding-DNA position 1319, C replaced by T.
Protein change: p.Thr440Ile; replaces threonine 440 with isoleucine.
Molecular consequence: missense variant.
Genome position (GRCh38, 1-based): chr5:33,947,212, G>A on the plus strand (C>T on the coding strand, the complement: SLC45A2 is on the minus strand). VCF-style: chr5-33947212-G-A. GRCh37 (hg19) VCF-style: chr5-33947317-G-A.
Other names: c.1319C>T, p.Thr440Ile (NM_001012509.4); short protein forms T440I.
Identifiers: ClinVar variation 2129705 (VCV002129705.4), dbSNP rs2478774868, ClinGen allele CA359388245.
Genomic context (GRCh38, chr5:33,947,212, plus strand): 5'-TGACAGCACACCTCCTTTTCTTCCTCGCGGTGGTACTCAGTAATGAGGTTAAAGGGCACA[G>A]TGTACAGGGTGCTGGACATTACACCAAACAGGCTGCACAGGACCAGGGTGGAGTAGACAT-3'
Protein context (NP_057264.4, residues 430-450): LFGVMSSTLY[Thr440Ile]VPFNLITEYH

ClinVar aggregate classification (germline): Uncertain significance (1 of 4 stars; one submission).

Submission:

Labcorp Genetics (formerly Invitae), Labcorp
Classification: Uncertain significance. Last evaluated: 2025-04-28. Review status: criteria provided, single submitter. Criteria: Invitae Variant Classification Sherloc (09022015). Collection method: clinical testing. Allele origin: germline.
Comment: This sequence change replaces threonine, which is neutral and polar, with isoleucine, which is neutral and non-polar, at codon 440 of the SLC45A2 protein (p.Thr440Ile). This variant is not present in population databases (gnomAD no frequency). This variant has not been reported in the literature in individuals affected with SLC45A2-related conditions. ClinVar contains an entry for this variant (Variation ID: 2129705). Invitae Evidence Modeling of protein sequence and biophysical properties (such as structural, functional, and spatial information, amino acid conservation, physicochemical variation, residue mobility, and thermodynamic stability) indicates that this missense variant is not expected to disrupt SLC45A2 protein function with a negative predictive value of 80%. This variant disrupts the p.Thr440 amino acid residue in SLC45A2. Other variant(s) that disrupt this residue have been observed in individuals with SLC45A2-related conditions (PMID: 34838614; internal data), which suggests that this may be a clinically significant amino acid residue. In summary, the available evidence is currently insufficient to determine the role of this variant in disease. Therefore, it has been classified as a Variant of Uncertain Significance.

Literature cited by the submitters: PubMed 34838614.